The following is an entry in ClinVar:

ClinVar aggregate classification (germline): Likely benign. Review status: criteria provided, multiple submitters, no conflicts (2 of 4 stars). 5 submissions from 5 submitters: Likely benign (5). Last evaluated 2025-11-06.

Conditions:
Cardiomyopathy (CMYO). Also called: Cardiomyopathies. Identifiers: Orphanet 167848, MedGen C0878544, MONDO:0004994, HP:0001638. Inheritance: Various modes of inheritance.
Hypertrophic cardiomyopathy. Also called: HYPERTROPHIC MYOCARDIOPATHY. Identifiers: Orphanet 217569, MedGen C0007194, MeSH D002312, MONDO:0005045, HP:0001639.
Cardiovascular phenotype. Identifiers: MedGen CN230736.

Allele frequency attached by ClinVar (database versions not stated): gnomAD 0.00001; ExAC 0.00005; 1000 Genomes Project 30x 0.00031; 1000 Genomes Project 0.00040.
gnomAD v4.1: 17 of 1,613,988 alleles (0.0011%); highest among the groups gnomAD compares: South Asian, 0.0077%; 1 homozygote.

Submissions (5):

Labcorp Genetics (formerly Invitae), Labcorp
Classification: Likely benign for Hypertrophic cardiomyopathy. Last evaluated: 2025-11-06. Review status: criteria provided, single submitter. Criteria: Invitae Variant Classification Sherloc (09022015). Collection method: clinical testing. Allele origin: germline.

All of Us Research Program, National Institutes of Health
Classification: Likely benign for Cardiomyopathy. Last evaluated: 2024-03-24. Review status: criteria provided, single submitter. Criteria: ACMG Guidelines, 2015. Collection method: clinical testing. Allele origin: germline. Inheritance: Autosomal dominant inheritance. Observed: 5 variant alleles, 5 heterozygotes.
Comment: This study involves interpretation of variants in research participants for the purpose of population health screening. Participant phenotype was not available at the time of variant classification. Additional details can be found in publication PMID: 35346344, PMCID: PMC8962531

Ambry Genetics
Classification: Likely benign for Cardiovascular phenotype. Last evaluated: 2019-11-15. Review status: criteria provided, single submitter. Criteria: Ambry Variant Classification Scheme 2023. Collection method: clinical testing. Allele origin: germline.

Color Diagnostics, LLC DBA Color Health
Classification: Likely benign for Cardiomyopathy. Last evaluated: 2019-07-26. Review status: criteria provided, single submitter. Criteria: ACMG Guidelines, 2015. Collection method: clinical testing. Allele origin: germline.

Breakthrough Genomics
Classification: Likely benign. Review status: criteria provided, single submitter. Criteria: ACMG Guidelines, 2015. Collection method: not provided. Allele origin: germline. Inheritance: Autosomal recessive inheritance. Affected: yes.

NM_000257.4(MYH7):c.4740C>T (p.Asp1580=)

Genes: MHRT (myosin heavy chain associated RNA transcript; plus strand), MYH7 (myosin heavy chain 7; minus strand), LOC126861897 (BRD4-independent group 4 enhancer GRCh37_chr14:23884455-23885654; plus strand). Cytogenetic location: 14q11.2.
Variant type: single nucleotide variant.
Coding change: c.4740C>T on transcript NM_000257.4 (MANE Select); coding-DNA position 4740, C replaced by T.
Protein change: p.Asp1580=; no amino-acid change (aspartic acid 1580 retained).
Molecular consequence: synonymous variant. On other transcripts: non-coding transcript variant (1).
Genome position (GRCh38, 1-based): chr14:23,416,217, G>A on the plus strand (C>T on the coding strand, the complement: MYH7 is on the minus strand). VCF-style: chr14-23416217-G-A. GRCh37 (hg19) VCF-style: chr14-23885426-G-A.
Identifiers: ClinVar variation 923441 (VCV000923441.16), dbSNP rs201469051, ClinGen allele CA043734.